The following is an entry in ClinVar:

NM_032383.5(HPS3):c.1426dup (p.Ile476fs)

Gene: HPS3 (HPS3 biogenesis of lysosomal organelles complex 2 subunit 1; plus strand). Cytogenetic location: 3q24.
Variant type: Duplication.
Coding change: c.1426dup on transcript NM_032383.5 (MANE Select); coding-DNA position 1426, one base duplicated (A; older notation c.1426dupA).
Protein change: p.Ile476fs; shifts the reading frame from isoleucine 476.
Molecular consequence: frameshift variant.
Genome position (GRCh38, 1-based): chr3:149,155,132, A duplicated; the last of 4 consecutive A bases (chr3:149,155,129-149,155,132); duplicating any one gives the same sequence. VCF-style (leftmost placement, unchanged base first): chr3-149155128-T-TA. GRCh37 (hg19) VCF-style: chr3-148872915-T-TA.
Other names: c.931dup, p.Ile311fs (NM_001308258.2); short protein forms I311fs, I476fs.
Identifiers: ClinVar variation 1070227 (VCV001070227.7), dbSNP rs1723365687, ClinGen allele CA1410098303.

ClinVar aggregate classification (germline): Pathogenic (1 of 4 stars; one submission).

Submission:

Labcorp Genetics (formerly Invitae), Labcorp
Classification: Pathogenic. Last evaluated: 2024-02-17. Review status: criteria provided, single submitter. Criteria: Invitae Variant Classification Sherloc (09022015). Collection method: clinical testing. Allele origin: germline.
Comment: This sequence change creates a premature translational stop signal (p.Ile476Asnfs*8) in the HPS3 gene. It is expected to result in an absent or disrupted protein product. Loss-of-function variants in HPS3 are known to be pathogenic (PMID: 11590544). This variant is not present in population databases (gnomAD no frequency). This premature translational stop signal has been observed in individual(s) with Hermansky–Pudlak syndrome (PMID: 31621111). ClinVar contains an entry for this variant (Variation ID: 1070227). For these reasons, this variant has been classified as Pathogenic.

Literature cited by the submitters: PubMed 11590544; PubMed 31621111.